The following is an entry in ClinVar:

NC_000012.12:g.(?_32877836)_(32879042_?)del

Gene: PKP2 (plakophilin 2; minus strand). Cytogenetic location: 12p11.21.
Variant type: Deletion.
Identifiers: ClinVar variation 832479 (VCV000832479.1).

ClinVar aggregate classification (germline): Pathogenic (1 of 4 stars; one submission).

Conditions:
Arrhythmogenic right ventricular dysplasia 9 (ARVD9). Also called: ARRHYTHMOGENIC RIGHT VENTRICULAR DYSPLASIA, FAMILIAL, 9; Arrhythmogenic Right Ventricular Dysplasia/Cardiomyopathy 9. Identifiers: MedGen C1836906, MONDO:0012180, OMIM 609040.

Submission:

Labcorp Genetics (formerly Invitae), Labcorp
Classification: Pathogenic for Arrhythmogenic right ventricular cardiomyopathy, type 9. Last evaluated: 2019-11-21. Review status: criteria provided, single submitter. Criteria: Invitae Variant Classification Sherloc (09022015). Collection method: clinical testing. Allele origin: germline.
Comment: This variant is a gross deletion of the genomic region encompassing exons 2 and 3 of the PKP2 gene. This creates a premature translational stop signal and is expected to result in an absent or disrupted protein product. While this particular variant has not been reported in the literature, loss-of-function variants in PKP2 are known to be pathogenic (PMID: 15489853). For these reasons, this variant has been classified as Pathogenic.

Literature cited by the submitters: PubMed 15489853.